The following is an entry in ClinVar:

ClinVar aggregate classification (germline): Uncertain significance (1 of 4 stars; one submission).

Conditions:
Duchenne muscular dystrophy (DMD). Also called: MUSCULAR DYSTROPHY, PSEUDOHYPERTROPHIC PROGRESSIVE, DUCHENNE TYPE; Duchenne Muscular Dystrophy (DMD). Identifiers: Orphanet 98896, MedGen C0013264, MONDO:0010679, OMIM 310200.

Submission:

Labcorp Genetics (formerly Invitae), Labcorp
Classification: Uncertain significance for Duchenne muscular dystrophy. Last evaluated: 2022-01-15. Review status: criteria provided, single submitter. Criteria: Invitae Variant Classification Sherloc (09022015). Collection method: clinical testing. Allele origin: germline.
Comment: This sequence change replaces lysine, which is basic and polar, with arginine, which is basic and polar, at codon 1922 of the DMD protein (p.Lys1922Arg). This variant is not present in population databases (gnomAD no frequency). In summary, the available evidence is currently insufficient to determine the role of this variant in disease. Therefore, it has been classified as a Variant of Uncertain Significance. Algorithms developed to predict the effect of missense changes on protein structure and function are either unavailable or do not agree on the potential impact of this missense change (SIFT: "Tolerated"; PolyPhen-2: "Possibly Damaging"; Align-GVGD: "Class C0"). This variant has not been reported in the literature in individuals affected with DMD-related conditions.

NM_004006.3(DMD):c.5765A>G (p.Lys1922Arg)

Gene: DMD (dystrophin; minus strand). Cytogenetic location: Xp21.1.
Variant type: single nucleotide variant.
Coding change: c.5765A>G on transcript NM_004006.3 (MANE Select); coding-DNA position 5765, A replaced by G.
Protein change: p.Lys1922Arg; replaces lysine 1922 with arginine.
Molecular consequence: missense variant.
Genome position (GRCh38, 1-based): chrX:32,342,257, T>C on the plus strand (A>G on the coding strand, the complement: DMD is on the minus strand). VCF-style: chrX-32342257-T-C. GRCh37 (hg19) VCF-style: chrX-32360374-T-C.
Other names: c.5741A>G, p.Lys1914Arg (NM_000109.4); c.5753A>G, p.Lys1918Arg (NM_004009.3); c.5396A>G, p.Lys1799Arg (NM_004010.3); c.1742A>G, p.Lys581Arg (NM_004011.4); c.1733A>G, p.Lys578Arg (NM_004012.4); short protein forms K1918R, K1799R, K1914R, K578R, K581R, K1922R.
Identifiers: ClinVar variation 2083007 (VCV002083007.4), dbSNP rs2521812899, ClinGen allele CA412665277.
Genomic context (GRCh38, chrX:32,342,257, plus strand): 5'-GCGGCCCCATCCTCAGACAAGCCCTCAGCTTGCCTACGCACTGCATTCAGCTCCTCTTTC[T>C]TCTTCTGCAATTCCCGATCAATTTCCTATTGAGCAAAACCAATACAGGGCCCAGGGCAGT-3'
Protein context (NP_003997.2, residues 1912-1932): IKEIDRELQK[Lys1922Arg]KEELNAVRRQ